The following is an entry in ClinVar:

ClinVar aggregate classification (germline): Uncertain significance. Review status: criteria provided, multiple submitters, no conflicts (2 of 4 stars). 4 submissions from 4 submitters: Uncertain significance (4). Last evaluated 2024-11-22.

Conditions:
Acute myeloid leukemia (AML). Also called: Acute myeloid leukemia, adult; AML adult; Acute non-lymphocytic leukemia; Acute granulocytic leukemia; Leukemia, acute myeloid, somatic; Leukemia, acute myelogenous, somatic. Identifiers: Orphanet 519, MedGen C0023467, MeSH D015470, MONDO:0018874, OMIM 601626, HP:0004808. Disease mechanism: Constitutively activated FLT3.
Inborn genetic diseases. Identifiers: MedGen C0950123, MeSH D030342.
Hereditary cancer-predisposing syndrome. Also called: Neoplastic Syndromes, Hereditary; Hereditary Cancer Syndrome; Hereditary neoplastic syndrome; Tumor predisposition. Identifiers: Orphanet 140162, MedGen C0027672, MeSH D009386, MONDO:0015356.

Submissions (4):

Ambry Genetics
Classification: Uncertain significance for Inborn genetic diseases. Last evaluated: 2024-11-22. Review status: criteria provided, single submitter. Criteria: Ambry Variant Classification Scheme 2023. Collection method: clinical testing. Allele origin: germline.
Comment: The p.H18Y variant (also known as c.52C>T), located in coding exon 1 of the CEBPA gene, results from a C to T substitution at nucleotide position 52. The histidine at codon 18 is replaced by tyrosine, an amino acid with similar properties. This amino acid position is conserved. In addition, this alteration is predicted to be tolerated by in silico analysis. Based on the available evidence, the clinical significance of this variant remains unclear.

Labcorp Genetics (formerly Invitae), Labcorp
Classification: Uncertain significance for Acute myeloid leukemia. Last evaluated: 2024-07-08. Review status: criteria provided, single submitter. Criteria: Invitae Variant Classification Sherloc (09022015). Collection method: clinical testing. Allele origin: germline.
Comment: This sequence change replaces histidine, which is basic and polar, with tyrosine, which is neutral and polar, at codon 18 of the CEBPA protein (p.His18Tyr). This variant is not present in population databases (gnomAD no frequency). This variant has not been reported in the literature in individuals affected with CEBPA-related conditions. ClinVar contains an entry for this variant (Variation ID: 664691). Advanced modeling of protein sequence and biophysical properties (such as structural, functional, and spatial information, amino acid conservation, physicochemical variation, residue mobility, and thermodynamic stability) performed at Invitae indicates that this missense variant is not expected to disrupt CEBPA protein function with a negative predictive value of 80%. In summary, the available evidence is currently insufficient to determine the role of this variant in disease. Therefore, it has been classified as a Variant of Uncertain Significance.

GeneDx
Classification: Uncertain significance. Last evaluated: 2024-06-24. Review status: criteria provided, single submitter. Criteria: GeneDx Variant Classification Process June 2021. Collection method: clinical testing. Allele origin: germline. Affected: yes.
Comment: Not observed at significant frequency in large population cohorts (gnomAD); In silico analysis indicates that this missense variant does not alter protein structure/function; Has not been previously published as pathogenic or benign to our knowledge

Sema4
Classification: Uncertain significance for Hereditary cancer-predisposing syndrome. Last evaluated: 2021-12-05. Review status: criteria provided, single submitter. Criteria: Sema4 Curation Guidelines. Collection method: curation. Allele origin: germline.
Comment: The CEBPA c.52C>T (p.H18Y) variant has not been reported in the literature to our knowledge. It was not observed in the large and broad cohorts of the Genome Aggregation Database. This variant has been reported in ClinVar (Variation ID: 664691). In silico tools suggest the impact of the variant on protein function is benign, though these predictions have not been confirmed by functional studies. The evidence is insufficient to meet ACMG/AMP criteria for classifying the variant as benign or pathogenic. Thus, the clinical significance of this variant is currently uncertain.

NM_004364.5(CEBPA):c.52C>T (p.His18Tyr)

Gene: CEBPA (CCAAT enhancer binding protein alpha; minus strand). Cytogenetic location: 19q13.11.
Variant type: single nucleotide variant.
Coding change: c.52C>T on transcript NM_004364.5 (MANE Select); coding-DNA position 52, C replaced by T.
Protein change: p.His18Tyr; replaces histidine 18 with tyrosine.
Molecular consequence: missense variant. On other transcripts: 5 prime UTR variant (1).
Genome position (GRCh38, 1-based): chr19:33,302,363, G>A on the plus strand (C>T on the coding strand, the complement: CEBPA is on the minus strand). VCF-style: chr19-33302363-G-A. GRCh37 (hg19) VCF-style: chr19-33793269-G-A.
Other names: c.-306C>T (NM_001285829.2); c.157C>T, p.His53Tyr (NM_001287424.2); c.10C>T, p.His4Tyr (NM_001287435.2); short protein forms H4Y, H18Y, H53Y.
Identifiers: ClinVar variation 664691 (VCV000664691.14), dbSNP rs1600024559, ClinGen allele CA405275776.